The following is an entry in ClinVar:

ClinVar aggregate classification (germline): Benign. Review status: criteria provided, multiple submitters, no conflicts (2 of 4 stars). 9 submissions from 8 submitters: Benign (5). 4 of the submissions do not count toward it. Last evaluated 2026-02-04.

Conditions:
Frontotemporal dementia and/or amyotrophic lateral sclerosis 4. Also called: FTDALS4. Identifiers: Orphanet 275872, MedGen C4225325, MONDO:0014641, OMIM 616439.
Glaucoma 1, open angle, P. Identifiers: MedGen C3888338, MONDO:0008328, OMIM 177700.

Allele frequency attached by ClinVar (database versions not stated): 1000 Genomes Project 0.01198; 1000 Genomes Project 30x 0.01234; TOPMed 0.02662; gnomAD 0.02996 and 0.03018; gnomAD exomes 0.03238 and 0.04492; ExAC 0.03322; ESP Exome Variant Server 0.03491.
gnomAD v4.1: 69,505 of 1,613,322 alleles (4.3%); highest among the groups gnomAD compares: Non-Finnish European, 5%; 1,732 homozygotes.

Submissions (9):

Labcorp Genetics (formerly Invitae), Labcorp
Classification: Benign for Frontotemporal dementia and/or amyotrophic lateral sclerosis 4. Last evaluated: 2026-02-04. Review status: criteria provided, single submitter. Criteria: Invitae Variant Classification Sherloc (09022015). Collection method: clinical testing. Allele origin: germline.

Women's Health and Genetics/Laboratory Corporation of America, LabCorp
Classification: Benign. Last evaluated: 2026-01-21. Review status: criteria provided, single submitter. Criteria: LabCorp Variant Classification Summary - May 2015. Collection method: clinical testing. Allele origin: germline.

Mayo Clinic Laboratories, Mayo Clinic
Classification: Benign. Last evaluated: 2022-12-27. Review status: criteria provided, single submitter. Criteria: ACMG Guidelines, 2015. Collection method: clinical testing. Allele origin: germline. Observed: 50 variant alleles.
Comment: BS1, BS2, BP4, BP7

GeneDx
Classification: Benign. Last evaluated: 2019-08-28. Review status: criteria provided, single submitter. Criteria: GeneDx Variant Classification Process June 2021. Collection method: clinical testing. Allele origin: germline. Affected: yes.

Breakthrough Genomics
Classification: Benign. Review status: criteria provided, single submitter. Criteria: ACMG Guidelines, 2015. Collection method: not provided. Allele origin: germline. Inheritance: Autosomal dominant inheritance. Affected: yes.

Genome Diagnostics Laboratory, Amsterdam University Medical Center
Classification: Likely benign for Glaucoma 1, open angle, P. Last evaluated: 2016-07-20. Review status: no assertion criteria provided. Criteria: ACGS Guidelines, 2013. Collection method: clinical testing. Allele origin: germline. Affected: yes. Study: VKGL Data-share Consensus. Not counted in ClinVar's aggregate classification.

Clinical Genetics DNA and cytogenetics Diagnostics Lab, Erasmus MC, Erasmus Medical Center
Classification: Benign. Review status: no assertion criteria provided. Collection method: clinical testing. Allele origin: germline. Affected: yes. Study: VKGL Data-share Consensus. Not counted in ClinVar's aggregate classification.

Clinical Genetics, Academic Medical Center
Classification: Benign. Review status: no assertion criteria provided. Collection method: clinical testing. Allele origin: germline. Affected: yes. Study: VKGL Data-share Consensus. Not counted in ClinVar's aggregate classification.

Genome Diagnostics Laboratory, Amsterdam University Medical Center
Classification: Benign. Review status: no assertion criteria provided. Collection method: clinical testing. Allele origin: germline. Affected: yes. Study: VKGL Data-share Consensus. Not counted in ClinVar's aggregate classification.

NM_013254.4(TBK1):c.66T>C (p.Asn22=)

Gene: TBK1 (TANK binding kinase 1; plus strand). Cytogenetic location: 12q14.2.
Variant type: single nucleotide variant.
Coding change: c.66T>C on transcript NM_013254.4 (MANE Select); coding-DNA position 66, T replaced by C.
Protein change: p.Asn22=; no amino-acid change (asparagine 22 retained).
Molecular consequence: synonymous variant.
Genome position (GRCh38, 1-based): chr12:64,455,936, T>C. VCF-style: chr12-64455936-T-C. GRCh37 (hg19) VCF-style: chr12-64849716-T-C.
Other names: p.Asn22=; c.66T>C, p.Asn22= (LRG_1306t1).
Identifiers: ClinVar variation 475941 (VCV000475941.21), dbSNP rs41292019, ClinGen allele CA6668705.